The following is an entry in ClinVar:

NM_006929.5(SKIC2):c.1597G>A (p.Ala533Thr)

Gene: SKIC2 (SKI2 subunit of superkiller complex; plus strand). Cytogenetic location: 6p21.33.
Variant type: single nucleotide variant.
Coding change: c.1597G>A on transcript NM_006929.5 (MANE Select); coding-DNA position 1597, G replaced by A.
Protein change: p.Ala533Thr; replaces alanine 533 with threonine.
Molecular consequence: missense variant.
Genome position (GRCh38, 1-based): chr6:31,963,683, G>A. VCF-style: chr6-31963683-G-A. GRCh37 (hg19) VCF-style: chr6-31931460-G-A.
Other names: short protein forms A533T.
Identifiers: ClinVar variation 1424947 (VCV001424947.5), dbSNP rs903311154, ClinGen allele CA363459098.
Genomic context (GRCh38, chr6:31,963,683, plus strand): 5'-TCCCTGTGCCCCAGGTACTATGCAGCTGTGGAGGCCAAGAAGGAGAGAATGAGCAAACAC[G>A]CCCAGACCTTTGGGGCCAAGCAGCCCACACATCAGGGGGGCCCTGCACAGGTGAGAACTG-3'
Protein context (NP_008860.4, residues 523-543): EAKKERMSKH[Ala533Thr]QTFGAKQPTH

ClinVar aggregate classification (germline): Uncertain significance (1 of 4 stars; one submission).

Allele frequency attached by ClinVar (database versions not stated): TOPMed 0.00001.
gnomAD v4.1: 6 of 1,556,860 alleles (0.00039%); highest among the groups gnomAD compares: Non-Finnish European, 0.00052%; no homozygotes.

Submission:

Labcorp Genetics (formerly Invitae), Labcorp
Classification: Uncertain significance. Last evaluated: 2021-08-31. Review status: criteria provided, single submitter. Criteria: Invitae Variant Classification Sherloc (09022015). Collection method: clinical testing. Allele origin: germline.
Comment: This sequence change replaces alanine with threonine at codon 533 of the SKIV2L protein (p.Ala533Thr). The alanine residue is weakly conserved and there is a small physicochemical difference between alanine and threonine. This variant is not present in population databases (ExAC no frequency). This variant has not been reported in the literature in individuals affected with SKIV2L-related conditions. Algorithms developed to predict the effect of missense changes on protein structure and function (SIFT, PolyPhen-2, Align-GVGD) all suggest that this variant is likely to be tolerated. In summary, the available evidence is currently insufficient to determine the role of this variant in disease. Therefore, it has been classified as a Variant of Uncertain Significance.